The following is an entry in ClinVar:

ClinVar aggregate classification (germline): Uncertain significance (1 of 4 stars; one submission).

Conditions:
Long QT syndrome (LQTS). Identifiers: MedGen C0023976, MeSH D008133, MONDO:0002442. Disease mechanism: loss of function. Inheritance: Various modes of inheritance.

Submission:

All of Us Research Program, National Institutes of Health
Classification: Uncertain significance for Long QT syndrome. Last evaluated: 2023-08-15. Review status: criteria provided, single submitter. Criteria: ACMG Guidelines, 2015. Collection method: clinical testing. Allele origin: germline. Inheritance: Autosomal dominant inheritance. Observed: 1 variant allele, 1 heterozygote.
Comment: This missense variant replaces leucine with proline at codon 530 of the KCNH2 protein. Computational prediction suggests that this variant may have deleterious impact on protein structure and function (internally defined REVEL score threshold >= 0.7, PMID: 27666373). To our knowledge, functional studies have not been reported for this variant. This variant has not been reported in individuals affected with KCNH2-related disorders in the literature. This variant has not been identified in the general population by the Genome Aggregation Database (gnomAD). The available evidence is insufficient to determine the role of this variant in disease conclusively. Therefore, this variant is classified as a Variant of Uncertain Significance.

This study involves interpretation of variants in research participants for the purpose of population health screening. Participant phenotype was not available at the time of variant classification. Additional details can be found in publication PMID: 35346344, PMCID: PMC8962531

NM_000238.4(KCNH2):c.1589T>C (p.Leu530Pro)

Gene: KCNH2 (potassium voltage-gated channel subfamily H member 2; minus strand). Cytogenetic location: 7q36.1.
Variant type: single nucleotide variant.
Coding change: c.1589T>C on transcript NM_000238.4 (MANE Select); coding-DNA position 1589, T replaced by C.
Protein change: p.Leu530Pro; replaces leucine 530 with proline.
Molecular consequence: missense variant. On other transcripts: non-coding transcript variant (2).
Genome position (GRCh38, 1-based): chr7:150,951,804, A>G on the plus strand (T>C on the coding strand, the complement: KCNH2 is on the minus strand). VCF-style: chr7-150951804-A-G. GRCh37 (hg19) VCF-style: chr7-150648892-A-G.
Other names: c.569T>C, p.Leu190Pro (NM_001204798.2, NM_172057.3); c.1301T>C, p.Leu434Pro (NM_001406753.1, NM_001406756.1); c.1412T>C, p.Leu471Pro (NM_001406755.1); c.1289T>C, p.Leu430Pro (NM_001406757.1); c.1589T>C, p.Leu530Pro (NM_172056.3); short protein forms L190P, L430P, L434P, L471P, L530P.
Identifiers: ClinVar variation 3072656 (VCV003072656.1), dbSNP rs2486040172, ClinGen allele CA369859184.